The following is an entry in ClinVar:

NM_014806.5(RUSC2):c.1147T>C (p.Phe383Leu)

Gene: RUSC2 (RUN and SH3 domain containing 2; plus strand). Cytogenetic location: 9p13.3.
Variant type: single nucleotide variant.
Coding change: c.1147T>C on transcript NM_014806.5 (MANE Select); coding-DNA position 1147, T replaced by C.
Protein change: p.Phe383Leu; replaces phenylalanine 383 with leucine.
Molecular consequence: missense variant. On other transcripts: non-coding transcript variant (1), intron variant (1).
Genome position (GRCh38, 1-based): chr9:35,547,668, T>C. VCF-style: chr9-35547668-T-C. GRCh37 (hg19) VCF-style: chr9-35547665-T-C.
Other names: c.1147T>C, p.Phe383Leu (NM_001135999.2); c.-620-7392T>C (NM_001330740.2); short protein forms F383L.
Identifiers: ClinVar variation 1523522 (VCV001523522.8), dbSNP rs1052362481, ClinGen allele CA192747494.

ClinVar aggregate classification (germline): Uncertain significance (1 of 4 stars; one submission).

Allele frequency attached by ClinVar (database versions not stated): gnomAD exomes below 0.00001; gnomAD 0.00001; TOPMed 0.00001.
gnomAD v4.1: 2 of 1,614,054 alleles (0.00012%); highest among the groups gnomAD compares: African/African-American, 0.0027%; no homozygotes.

Submission:

Labcorp Genetics (formerly Invitae), Labcorp
Classification: Uncertain significance. Last evaluated: 2021-05-19. Review status: criteria provided, single submitter. Criteria: Invitae Variant Classification Sherloc (09022015). Collection method: clinical testing. Allele origin: germline.
Comment: This sequence change replaces phenylalanine with leucine at codon 383 of the RUSC2 protein (p.Phe383Leu). The phenylalanine residue is moderately conserved and there is a small physicochemical difference between phenylalanine and leucine. This variant is not present in population databases (ExAC no frequency). This variant has not been reported in the literature in individuals with RUSC2-related conditions. Algorithms developed to predict the effect of missense changes on protein structure and function are either unavailable or do not agree on the potential impact of this missense change (SIFT: "Tolerated"; PolyPhen-2: "Probably Damaging"; Align-GVGD: "Class C0"). In summary, the available evidence is currently insufficient to determine the role of this variant in disease. Therefore, it has been classified as a Variant of Uncertain Significance.